The following is an entry in ClinVar:

NM_014317.5(PDSS1):c.352A>G (p.Thr118Ala)

Gene: PDSS1 (decaprenyl diphosphate synthase subunit 1; plus strand). Cytogenetic location: 10p12.1.
Variant type: single nucleotide variant.
Coding change: c.352A>G on transcript NM_014317.5 (MANE Select); coding-DNA position 352, A replaced by G.
Protein change: p.Thr118Ala; replaces threonine 118 with alanine.
Molecular consequence: missense variant. On other transcripts: 5 prime UTR variant (1).
Genome position (GRCh38, 1-based): chr10:26,709,653, A>G. VCF-style: chr10-26709653-A-G. GRCh37 (hg19) VCF-style: chr10-26998582-A-G.
Other names: c.352A>G, p.Thr118Ala (NM_001321978.2); c.-242A>G (NM_001321979.2); short protein forms T118A.
Identifiers: ClinVar variation 1938464 (VCV001938464.6), dbSNP rs752239214, ClinGen allele CA5446923.

ClinVar aggregate classification (germline): Uncertain significance. Review status: criteria provided, multiple submitters, no conflicts (2 of 4 stars). 2 submissions from 2 submitters: Uncertain significance (2). Last evaluated 2026-01-25.

Allele frequency attached by ClinVar (database versions not stated): TOPMed below 0.00001; ExAC 0.00001; gnomAD exomes 0.00001.
gnomAD v4.1: 8 of 1,613,846 alleles (0.0005%); highest among the groups gnomAD compares: Admixed American, 0.0017%; no homozygotes.

Submissions (2):

Labcorp Genetics (formerly Invitae), Labcorp
Classification: Uncertain significance. Last evaluated: 2026-01-25. Review status: criteria provided, single submitter. Criteria: Invitae Variant Classification Sherloc (09022015). Collection method: clinical testing. Allele origin: germline.
Comment: This sequence change replaces threonine, which is neutral and polar, with alanine, which is neutral and non-polar, at codon 118 of the PDSS1 protein (p.Thr118Ala). This variant is present in population databases (rs752239214, gnomAD 0.003%). This variant has not been reported in the literature in individuals affected with PDSS1-related conditions. ClinVar contains an entry for this variant (Variation ID: 1938464). Invitae Evidence Modeling of protein sequence and biophysical properties (such as structural, functional, and spatial information, amino acid conservation, physicochemical variation, residue mobility, and thermodynamic stability) indicates that this missense variant is not expected to disrupt PDSS1 protein function with a negative predictive value of 80%. In summary, the available evidence is currently insufficient to determine the role of this variant in disease. Therefore, it has been classified as a Variant of Uncertain Significance.

Blueprint Genetics
Classification: Uncertain significance. Last evaluated: 2024-08-16. Review status: criteria provided, single submitter. Criteria: ACMG Guidelines, 2015. Collection method: clinical testing. Allele origin: germline.